The following is an entry in ClinVar:

NM_024757.5(EHMT1):c.2716G>A (p.Glu906Lys)

Gene: EHMT1 (euchromatic histone lysine methyltransferase 1; plus strand). Cytogenetic location: 9q34.3.
Variant type: single nucleotide variant.
Coding change: c.2716G>A on transcript NM_024757.5 (MANE Select); coding-DNA position 2716, G replaced by A.
Protein change: p.Glu906Lys; replaces glutamic acid 906 with lysine.
Molecular consequence: missense variant.
Genome position (GRCh38, 1-based): chr9:137,811,464, G>A. VCF-style: chr9-137811464-G-A. GRCh37 (hg19) VCF-style: chr9-140705916-G-A.
Other names: c.2695G>A, p.Glu899Lys (NM_001354263.2); short protein forms E899K, E906K.
Identifiers: ClinVar variation 1419377 (VCV001419377.6), dbSNP rs2137670696, ClinGen allele CA375791111.
Genomic context (GRCh38, chr9:137,811,464, plus strand): 5'-CCCAGCACTGTGAGCCAGCAGGAAGCCTGCACTGAGCTCTGGCTTGTGTCTGTTCAGGAG[G>A]AGAACATTTGCCTGCACTGGGCGGCGTTCTCCGGCTGCGTGGACATAGCCGAGATCCTGC-3'
Protein context (NP_079033.4, residues 896-916): GSDINIRDNE[Glu906Lys]NICLHWAAFS

ClinVar aggregate classification (germline): Uncertain significance (1 of 4 stars; one submission).

Conditions:
Kleefstra syndrome 1 (KLEFS1). Identifiers: Orphanet 261494, MedGen C0795833, MONDO:0027407, OMIM 610253.

Allele frequency attached by ClinVar (database versions not stated): gnomAD exomes below 0.00001.
gnomAD v4.1: 1 of 1,612,508 alleles (0.000062%); highest among the groups gnomAD compares: East Asian, 0.0022%; no homozygotes.

Submission:

Labcorp Genetics (formerly Invitae), Labcorp
Classification: Uncertain significance for Kleefstra syndrome 1. Last evaluated: 2022-06-29. Review status: criteria provided, single submitter. Criteria: Invitae Variant Classification Sherloc (09022015). Collection method: clinical testing. Allele origin: germline.
Comment: Algorithms developed to predict the effect of missense changes on protein structure and function (SIFT, PolyPhen-2, Align-GVGD) all suggest that this variant is likely to be disruptive. In summary, the available evidence is currently insufficient to determine the role of this variant in disease. Therefore, it has been classified as a Variant of Uncertain Significance. This variant has not been reported in the literature in individuals affected with EHMT1-related conditions. This variant is not present in population databases (gnomAD no frequency). This sequence change replaces glutamic acid, which is acidic and polar, with lysine, which is basic and polar, at codon 906 of the EHMT1 protein (p.Glu906Lys).